The following is an entry in ClinVar:

ClinVar aggregate classification (germline): Uncertain significance. Review status: criteria provided, multiple submitters, no conflicts (2 of 4 stars). 2 submissions from 2 submitters: Uncertain significance (2). Last evaluated 2024-12-25.

Conditions:
MEGF10-related myopathy (CMYO10A). Also called: Congenital myopathy 10A, severe variant. Identifiers: Orphanet 439212, MedGen C3280679, MONDO:0013731, OMIM 614399.
Inborn genetic diseases. Identifiers: MedGen C0950123, MeSH D030342.

Allele frequency attached by ClinVar (database versions not stated): ExAC 0.00002; gnomAD exomes 0.00003; TOPMed 0.00006; gnomAD 0.00008 and 0.00009.
gnomAD v4.1: 67 of 1,614,024 alleles (0.0042%); highest among the groups gnomAD compares: Non-Finnish European, 0.0035%; no homozygotes.

Submissions (2):

Ambry Genetics
Classification: Uncertain significance for Inborn genetic diseases. Last evaluated: 2024-12-25. Review status: criteria provided, single submitter. Criteria: Ambry Variant Classification Scheme 2023. Collection method: clinical testing. Allele origin: germline.

Labcorp Genetics (formerly Invitae), Labcorp
Classification: Uncertain significance for MEGF10-related myopathy. Last evaluated: 2021-08-30. Review status: criteria provided, single submitter. Criteria: Invitae Variant Classification Sherloc (09022015). Collection method: clinical testing. Allele origin: germline.
Comment: This sequence change replaces isoleucine with phenylalanine at codon 684 of the MEGF10 protein (p.Ile684Phe). The isoleucine residue is highly conserved and there is a small physicochemical difference between isoleucine and phenylalanine. This variant is present in population databases (rs772306149, ExAC 0.005%). This variant has not been reported in the literature in individuals affected with MEGF10-related conditions. Algorithms developed to predict the effect of missense changes on protein structure and function are either unavailable or do not agree on the potential impact of this missense change (SIFT: "Deleterious"; PolyPhen-2: "Possibly Damaging"; Align-GVGD: "Class C0"). In summary, the available evidence is currently insufficient to determine the role of this variant in disease. Therefore, it has been classified as a Variant of Uncertain Significance.

NM_001256545.2(MEGF10):c.2050A>T (p.Ile684Phe)

Gene: MEGF10 (multiple EGF like domains 10; plus strand). Cytogenetic location: 5q23.2.
Variant type: single nucleotide variant.
Coding change: c.2050A>T on transcript NM_001256545.2 (MANE Select); coding-DNA position 2050, A replaced by T.
Protein change: p.Ile684Phe; replaces isoleucine 684 with phenylalanine.
Molecular consequence: missense variant.
Genome position (GRCh38, 1-based): chr5:127,435,435, A>T. VCF-style: chr5-127435435-A-T. GRCh37 (hg19) VCF-style: chr5-126771127-A-T.
Other names: c.2050A>T, p.Ile684Phe (NM_032446.3); short protein forms I684F.
Identifiers: ClinVar variation 566813 (VCV000566813.7), dbSNP rs772306149, ClinGen allele CA3391822.